The following is an entry in ClinVar:

NM_019032.6(ADAMTSL4):c.748C>T (p.Arg250Trp)

Genes: ADAMTSL4 (ADAMTS like 4; plus strand), ADAMTSL4-AS2 (ADAMTSL4 antisense RNA 2; minus strand). Cytogenetic location: 1q21.2.
Variant type: single nucleotide variant.
Coding change: c.748C>T on transcript NM_019032.6 (MANE Select); coding-DNA position 748, C replaced by T.
Protein change: p.Arg250Trp; replaces arginine 250 with tryptophan.
Molecular consequence: missense variant.
Genome position (GRCh38, 1-based): chr1:150,553,739, C>T. VCF-style: chr1-150553739-C-T. GRCh37 (hg19) VCF-style: chr1-150526215-C-T.
Other names: c.748C>T (NM_019032.4); c.748C>T, p.Arg250Trp (NM_001288607.2, NM_001288608.2, NM_001378596.1 and 1 more transcripts); short protein forms R250W.
Identifiers: ClinVar variation 1408599 (VCV001408599.7), dbSNP rs140535012, ClinGen allele CA1078028.

ClinVar aggregate classification (germline): Uncertain significance. Review status: criteria provided, multiple submitters, no conflicts (2 of 4 stars). 4 submissions from 3 submitters: Uncertain significance (4). Last evaluated 2025-04-04.

Conditions:
Inborn genetic diseases. Identifiers: MedGen C0950123, MeSH D030342.
Ectopia lentis et pupillae. Also called: ECTOPIA LENTIS WITH ECTOPIA OF PUPIL. Identifiers: Orphanet 1885, MedGen C1644196, MONDO:0009153, OMIM 225200.
Ectopia lentis 2, isolated, autosomal recessive (ECTOL2). Identifiers: Orphanet 1885, MedGen C3541474, MONDO:0009152, OMIM 225100.

Allele frequency attached by ClinVar (database versions not stated): gnomAD exomes 0.00006; ESP Exome Variant Server 0.00008.

Submissions (4):

Ambry Genetics
Classification: Uncertain significance for Inborn genetic diseases. Last evaluated: 2025-04-04. Review status: criteria provided, single submitter. Criteria: Ambry Variant Classification Scheme 2023. Collection method: clinical testing. Allele origin: germline.

Labcorp Genetics (formerly Invitae), Labcorp
Classification: Uncertain significance. Last evaluated: 2025-01-13. Review status: criteria provided, single submitter. Criteria: Invitae Variant Classification Sherloc (09022015). Collection method: clinical testing. Allele origin: germline.
Comment: This sequence change replaces arginine, which is basic and polar, with tryptophan, which is neutral and slightly polar, at codon 250 of the ADAMTSL4 protein (p.Arg250Trp). This variant is present in population databases (rs140535012, gnomAD 0.02%). This variant has not been reported in the literature in individuals affected with ADAMTSL4-related conditions. ClinVar contains an entry for this variant (Variation ID: 1408599). Invitae Evidence Modeling of protein sequence and biophysical properties (such as structural, functional, and spatial information, amino acid conservation, physicochemical variation, residue mobility, and thermodynamic stability) indicates that this missense variant is not expected to disrupt ADAMTSL4 protein function with a negative predictive value of 80%. In summary, the available evidence is currently insufficient to determine the role of this variant in disease. Therefore, it has been classified as a Variant of Uncertain Significance.

Genome-Nilou Lab
Classification: Uncertain significance for Ectopia lentis et pupillae. Last evaluated: 2023-04-11. Review status: criteria provided, single submitter. Criteria: ACMG Guidelines, 2015. Collection method: clinical testing. Allele origin: germline. Affected: no.

Genome-Nilou Lab
Classification: Uncertain significance for Ectopia lentis 2, isolated, autosomal recessive. Last evaluated: 2023-04-11. Review status: criteria provided, single submitter. Criteria: ACMG Guidelines, 2015. Collection method: clinical testing. Allele origin: germline. Affected: no.